The following is an entry in ClinVar:

NM_000059.4(BRCA2):c.8526C>T (p.Arg2842=)

Gene: BRCA2 (BRCA2 DNA repair associated; plus strand). Cytogenetic location: 13q13.1.
Variant type: single nucleotide variant.
Coding change: c.8526C>T on transcript NM_000059.4 (MANE Select); coding-DNA position 8526, C replaced by T.
Protein change: p.Arg2842=; no amino-acid change (arginine 2842 retained).
Molecular consequence: synonymous variant.
Genome position (GRCh38, 1-based): chr13:32,370,994, C>T. VCF-style: chr13-32370994-C-T. GRCh37 (hg19) VCF-style: chr13-32945131-C-T.
Identifiers: ClinVar variation 750212 (VCV000750212.15), dbSNP rs1480428513, ClinGen allele CA483261507.

ClinVar aggregate classification (germline): Likely benign. Review status: criteria provided, multiple submitters, no conflicts (2 of 4 stars). 4 submissions from 4 submitters: Likely benign (4). Last evaluated 2024-11-05.

Conditions:
Hereditary cancer-predisposing syndrome. Also called: Tumor predisposition; Hereditary Cancer Syndrome; Neoplastic Syndromes, Hereditary; Hereditary neoplastic syndrome. Identifiers: Orphanet 140162, MedGen C0027672, MeSH D009386, MONDO:0015356.
Breast-ovarian cancer, familial, susceptibility to, 2 (BROVCA2). Also called: BRCA2 Hereditary Breast and Ovarian Cancer. Identifiers: Orphanet 145, MedGen C2675520, MONDO:0012933, OMIM 612555. Disease mechanism: loss of function.
Hereditary breast ovarian cancer syndrome. Also called: BRCA1- and BRCA2-Associated Hereditary Breast and Ovarian Cancer; Hereditary breast and ovarian cancer; Hereditary breast and ovarian cancer syndrome (HBOC); Breast and ovarian cancer; Hereditary breast and/or ovarian cancer syndrome; Hereditary breast and ovarian cancer syndrome. Identifiers: Orphanet 145, MedGen C0677776, MeSH D061325, MONDO:0003582. Disease mechanism: loss of function.

Allele frequency attached by ClinVar (database versions not stated): gnomAD 0.00001; TOPMed 0.00001.
gnomAD v4.1: 2 of 1,613,826 alleles (0.00012%); highest among the groups gnomAD compares: African/African-American, 0.0013%; no homozygotes.

Submissions (4):

Women's Health and Genetics/Laboratory Corporation of America, LabCorp
Classification: Likely benign. Last evaluated: 2024-11-05. Review status: criteria provided, single submitter. Criteria: LabCorp Variant Classification Summary - May 2015. Collection method: clinical testing. Allele origin: germline.

Labcorp Genetics (formerly Invitae), Labcorp
Classification: Likely benign for Hereditary breast ovarian cancer syndrome. Last evaluated: 2024-01-28. Review status: criteria provided, single submitter. Criteria: Invitae Variant Classification Sherloc (09022015). Collection method: clinical testing. Allele origin: germline.

All of Us Research Program, National Institutes of Health
Classification: Likely benign for Breast-ovarian cancer, familial, susceptibility to, 2. Last evaluated: 2024-01-03. Review status: criteria provided, single submitter. Criteria: ACMG Guidelines, 2015. Collection method: clinical testing. Allele origin: germline. Inheritance: Autosomal dominant inheritance. Observed: 3 variant alleles, 3 heterozygotes.
Comment: This study involves interpretation of variants in research participants for the purpose of population health screening. Participant phenotype was not available at the time of variant classification. Additional details can be found in publication PMID: 35346344, PMCID: PMC8962531

Ambry Genetics
Classification: Likely benign for Hereditary cancer-predisposing syndrome. Last evaluated: 2019-06-07. Review status: criteria provided, single submitter. Criteria: Ambry Variant Classification Scheme 2023. Collection method: clinical testing. Allele origin: germline.